The following is an entry in ClinVar:

NM_021830.5(TWNK):c.591T>C (p.Tyr197=)

Gene: TWNK (twinkle mtDNA helicase; plus strand). Cytogenetic location: 10q24.31.
Variant type: single nucleotide variant.
Coding change: c.591T>C on transcript NM_021830.5 (MANE Select); coding-DNA position 591, T replaced by C.
Protein change: p.Tyr197=; no amino-acid change (tyrosine 197 retained).
Molecular consequence: synonymous variant. On other transcripts: non-coding transcript variant (4), intron variant (3).
Genome position (GRCh38, 1-based): chr10:100,988,801, T>C. VCF-style: chr10-100988801-T-C. GRCh37 (hg19) VCF-style: chr10-102748558-T-C.
Other names: c.591T>C, p.Tyr197= (NM_001163812.2); c.-119-843T>C (NM_001163814.2, NM_001163813.2); c.-57-905T>C (NM_001368275.1).
Identifiers: ClinVar variation 3061013 (VCV003061013.2), dbSNP rs768535338, ClinGen allele CA5653090.

ClinVar aggregate classification (germline): Likely benign (0 of 4 stars; one submission).

Conditions:
TWNK-related disorder. Also called: TWNK-related condition.

Allele frequency attached by ClinVar (database versions not stated): gnomAD exomes below 0.00001; ExAC 0.00001.
gnomAD v4.1: 3 of 1,614,178 alleles (0.00019%); highest among the groups gnomAD compares: East Asian, 0.0045%; no homozygotes.

Submission:

PreventionGenetics, part of Exact Sciences
Classification: Likely benign for TWNK-related condition. Last evaluated: 2021-09-09. Review status: no assertion criteria provided. Collection method: clinical testing. Allele origin: germline.
Comment: This variant is classified as likely benign based on ACMG/AMP sequence variant interpretation guidelines (Richards et al. 2015 PMID: 25741868, with internal and published modifications).